The following is an entry in ClinVar:

NM_012308.3(KDM2A):c.2012A>T (p.Glu671Val)

Gene: KDM2A (lysine demethylase 2A; plus strand). Cytogenetic location: 11q13.2.
Variant type: single nucleotide variant.
Coding change: c.2012A>T on transcript NM_012308.3 (MANE Select); coding-DNA position 2012, A replaced by T.
Protein change: p.Glu671Val; replaces glutamic acid 671 with valine.
Molecular consequence: missense variant. On other transcripts: non-coding transcript variant (1).
Genome position (GRCh38, 1-based): chr11:67,248,327, A>T. VCF-style: chr11-67248327-A-T. GRCh37 (hg19) VCF-style: chr11-67015798-A-T.
Other names: c.695A>T, p.Glu232Val (NM_001256405.2); short protein forms E232V, E671V.
Identifiers: ClinVar variation 4526996 (VCV004526996.1).

ClinVar aggregate classification (germline): Uncertain significance (1 of 4 stars; one submission).

Submission:

GeneDx
Classification: Uncertain significance. Last evaluated: 2023-04-18. Review status: criteria provided, single submitter. Criteria: GeneDx Variant Classification Process June 2021. Collection method: clinical testing. Allele origin: germline. Affected: yes.
Comment: Not observed at significant frequency in large population cohorts (gnomAD); In silico analysis supports that this missense variant has a deleterious effect on protein structure/function; Has not been previously published as pathogenic or benign to our knowledge; Variants in candidate genes are classified as variants of uncertain significance in accordance with ACMG guidelines (Richards et al., 2015)